The following is an entry in ClinVar:

NM_003839.4(TNFRSF11A):c.*2173A>T

Gene: TNFRSF11A (TNF receptor superfamily member 11a; plus strand). Cytogenetic location: 18q21.33.
Variant type: single nucleotide variant.
Coding change: c.*2173A>T on transcript NM_003839.4 (MANE Select); 2173 bases downstream of the stop codon, A replaced by T.
Molecular consequence: 3 prime UTR variant.
Genome position (GRCh38, 1-based): chr18:62,387,207, A>T. VCF-style: chr18-62387207-A-T. GRCh37 (hg19) VCF-style: chr18-60054440-A-T.
Other names: c.*2448A>T (NM_001270949.2); c.*2173A>T (NM_001270950.2, NM_001270951.2, NM_001278268.2).
Identifiers: ClinVar variation 891411 (VCV000891411.5), dbSNP rs78326403, ClinGen allele CA15921558.

ClinVar aggregate classification (germline): Benign. Review status: criteria provided, multiple submitters, no conflicts (2 of 4 stars). 3 submissions from 2 submitters: Benign (3). Last evaluated 2018-01-12.

Conditions:
Autosomal recessive osteopetrosis 7. Identifiers: Orphanet 178389, MedGen C2676766, MONDO:0012859, OMIM 612301.
Paget disease of bone 2, early-onset (PDB2). Also called: Paget disease of bone 2. Identifiers: MedGen C4085251, MONDO:0011183, OMIM 602080.

Allele frequency attached by ClinVar (database versions not stated): gnomAD 0.11961 and 0.11998; TOPMed 0.11984; 1000 Genomes Project 0.12520; 1000 Genomes Project 30x 0.12680.
gnomAD v4.1: 18,097 of 152,228 alleles (12%); highest among the groups gnomAD compares: East Asian, 16%; 1,138 homozygotes.

Submissions (3):

Illumina Laboratory Services, Illumina
Classification: Benign for Autosomal recessive osteopetrosis 7. Last evaluated: 2018-01-12. Review status: criteria provided, single submitter. Criteria: ICSL Variant Classification Criteria 13 December 2019. Collection method: clinical testing. Allele origin: germline.
Comment: This variant was observed in the ICSL laboratory as part of a predisposition screen in an ostensibly healthy population. It had not been previously curated by ICSL or reported in the Human Gene Mutation Database (HGMD: prior to June 1st, 2018), and was therefore a candidate for classification through an automated scoring system. Utilizing variant allele frequency, disease prevalence and penetrance estimates, and inheritance mode, an automated score was calculated to assess if this variant is too frequent to cause the disease. Based on the score and internal cut-off values, a variant classified as benign is not then subjected to further curation. The score for this variant resulted in a classification of benign for this disease.

Illumina Laboratory Services, Illumina
Classification: Benign for Paget disease of bone 2, early-onset. Last evaluated: 2018-01-12. Review status: criteria provided, single submitter. Criteria: ICSL Variant Classification Criteria 13 December 2019. Collection method: clinical testing. Allele origin: germline.
Comment: the same text as in the submission from Illumina Laboratory Services, Illumina above.

Breakthrough Genomics
Classification: Benign. Review status: criteria provided, single submitter. Criteria: ACMG Guidelines, 2015. Collection method: not provided. Allele origin: germline. Inheritance: Autosomal recessive inheritance. Affected: yes.